The following is an entry in ClinVar:

ClinVar aggregate classification (germline): Uncertain significance. Review status: criteria provided, multiple submitters, no conflicts (2 of 4 stars). 6 submissions from 6 submitters: Uncertain significance (6). Last evaluated 2026-02-16.

Conditions:
Familial cancer of breast. Also called: BREAST CANCER, FAMILIAL; hereditary breast carcinoma; Hereditary breast cancer. Identifiers: Orphanet 227535, MedGen C0346153, MONDO:0016419, OMIM 114480. Disease mechanism: loss of function.
Hereditary cancer-predisposing syndrome. Also called: Tumor predisposition; Hereditary neoplastic syndrome; Neoplastic Syndromes, Hereditary; Hereditary Cancer Syndrome. Identifiers: Orphanet 140162, MedGen C0027672, MeSH D009386, MONDO:0015356.

Allele frequency attached by ClinVar (database versions not stated): gnomAD exomes below 0.00001 and 0.00001; TOPMed below 0.00001; gnomAD 0.00001.
gnomAD v4.1: 3 of 1,608,370 alleles (0.00019%); highest among the groups gnomAD compares: Non-Finnish European, 0.00017%; no homozygotes.

Submissions (6):

Women's Health and Genetics/Laboratory Corporation of America, LabCorp
Classification: Uncertain significance. Last evaluated: 2026-02-16. Review status: criteria provided, single submitter. Criteria: LabCorp Variant Classification Summary - May 2015. Collection method: clinical testing. Allele origin: germline.
Comment: Variant summary: CHEK2 c.1084T>C (p.Cys362Arg) results in a non-conservative amino acid change in the encoded protein sequence. Algorithms developed to predict the effect of missense changes on protein structure and function are either unavailable or do not agree on the potential impact of this missense change. The variant allele was found at a frequency of 8e-06 in 251266 control chromosomes. The available data on variant occurrences in the general population are insufficient to allow any conclusion about variant significance. c.1084T>C has been observed in an individual affected with breast cancer, but was also found in one control individual (Stolarova_2023). These report(s) do not provide unequivocal conclusions about association of the variant with CHEK2-related conditions. Publications reporting experimental evidence evaluating an impact on protein function showed no damaging effect of this variant on KAP1 phosphorylation and CHK2 autophosphorylation in a complementation assay (Stolarova_2023), and no damaging impact on splicing (Sanoguera-Miralles_2024). The following publications have been ascertained in the context of this evaluation (PMID: 38332730, 37449874). ClinVar contains an entry for this variant (Variation ID: 418646). Based on the evidence outlined above, the variant was classified as uncertain significance.

Labcorp Genetics (formerly Invitae), Labcorp
Classification: Uncertain significance for Familial cancer of breast. Last evaluated: 2025-09-17. Review status: criteria provided, single submitter. Criteria: Invitae Variant Classification Sherloc (09022015). Collection method: clinical testing. Allele origin: germline.
Comment: This sequence change replaces cysteine, which is neutral and slightly polar, with arginine, which is basic and polar, at codon 362 of the CHEK2 protein (p.Cys362Arg). This variant is present in population databases (no rsID available, gnomAD 0.002%). This variant has not been reported in the literature in individuals affected with CHEK2-related conditions. ClinVar contains an entry for this variant (Variation ID: 418646). An algorithm developed to predict the effect of missense changes on protein structure and function (PolyPhen-2) suggests that this variant is likely to be disruptive. In summary, the available evidence is currently insufficient to determine the role of this variant in disease. Therefore, it has been classified as a Variant of Uncertain Significance.

Color Diagnostics, LLC DBA Color Health
Classification: Uncertain significance for Hereditary cancer-predisposing syndrome. Last evaluated: 2025-08-20. Review status: criteria provided, single submitter. Criteria: ACMG Guidelines, 2015. Collection method: clinical testing. Allele origin: germline.
Comment: This missense variant replaces cysteine with arginine at codon 362 of the CHEK2 protein. Computational prediction suggests that this variant may not impact protein structure and function. Experimental studies have demponstrated this variant is functional in KAP1 kinase and CHK2 autophosphorylation assays (PMID: 37449874). This variant has not been reported in individuals affected with CHEK2-related disorders in the literature. This variant has been identified in 3/282674 chromosomes in the general population by the Genome Aggregation Database (gnomAD). The available evidence is insufficient to determine the role of this variant in disease conclusively. Therefore, this variant is classified as a Variant of Uncertain Significance.

Ambry Genetics
Classification: Uncertain significance for Hereditary cancer-predisposing syndrome. Last evaluated: 2024-12-27. Review status: criteria provided, single submitter. Criteria: Ambry Variant Classification Scheme 2023. Collection method: clinical testing. Allele origin: germline.
Comment: The p.C362R variant (also known as c.1084T>C), located in coding exon 9 of the CHEK2 gene, results from a T to C substitution at nucleotide position 1084. The cysteine at codon 362 is replaced by arginine, an amino acid with highly dissimilar properties. This amino acid position is highly conserved in available vertebrate species. In addition, this alteration is predicted to be deleterious by in silico analysis. Based on the available evidence, the clinical significance of this variant remains unclear.

Baylor Genetics
Classification: Uncertain significance for Familial cancer of breast. Last evaluated: 2023-10-17. Review status: criteria provided, single submitter. Criteria: ACMG Guidelines, 2015. Collection method: clinical testing. Allele origin: unknown.

GeneDx
Classification: Uncertain significance. Last evaluated: 2023-07-07. Review status: criteria provided, single submitter. Criteria: GeneDx Variant Classification Process June 2021. Collection method: clinical testing. Allele origin: germline. Affected: yes.
Comment: Not observed at significant frequency in large population cohorts (gnomAD); In silico analysis supports that this missense variant has a deleterious effect on protein structure/function; Has not been previously published as pathogenic or benign to our knowledge; This variant is associated with the following publications: (PMID: 22419737, 19782031)

Literature cited by the submitters: PubMed 37449874 (cited by Women's Health and Genetics/Laboratory Corporation of America, LabCorp and Color Diagnostics, LLC DBA Color Health); PubMed 38332730 (cited by Women's Health and Genetics/Laboratory Corporation of America, LabCorp).

NM_007194.4(CHEK2):c.1084T>C (p.Cys362Arg)

Gene: CHEK2 (checkpoint kinase 2; minus strand). Cytogenetic location: 22q12.1.
Variant type: single nucleotide variant.
Coding change: c.1084T>C on transcript NM_007194.4 (MANE Select); coding-DNA position 1084, T replaced by C.
Protein change: p.Cys362Arg; replaces cysteine 362 with arginine.
Molecular consequence: missense variant. On other transcripts: intron variant (3).
Genome position (GRCh38, 1-based): chr22:28,696,912, A>G on the plus strand (T>C on the coding strand, the complement: CHEK2 is on the minus strand). VCF-style: chr22-28696912-A-G. GRCh37 (hg19) VCF-style: chr22-29092900-A-G.
Other names: c.1213T>C, p.Cys405Arg (NM_001005735.3); c.421T>C, p.Cys141Arg (NM_001257387.3, NM_001437942.1); c.883T>C, p.Cys295Arg (NM_001349956.3); c.1177T>C, p.Cys393Arg (NM_001438293.1); c.1009-1039T>C (NM_145862.3); c.1102-1039T>C (NM_001438295.1); c.1138-1039T>C (NM_001438294.1); short protein forms C362R, C141R, C295R, C405R, C393R.
Identifiers: ClinVar variation 418646 (VCV000418646.22), dbSNP rs1064793339, ClinGen allele CA16621059.